The following is an entry in ClinVar:

NM_000128.4(F11):c.471_475del (p.Ser158fs)

Gene: F11 (coagulation factor XI; plus strand). Cytogenetic location: 4q35.2.
Variant type: Deletion.
Coding change: c.471_475del on transcript NM_000128.4 (MANE Select); coding-DNA positions 471 to 475, 5 bases deleted (CAGCC; older notation c.471_475delCAGCC).
Protein change: p.Ser158fs; shifts the reading frame from serine 158.
Molecular consequence: frameshift variant.
Genome position (GRCh38, 1-based): chr4:186,274,261-186,274,265, CAGCC deleted; deleting any 5 consecutive bases within chr4:186,274,259-186,274,265 gives the same sequence; the c. name uses the placement nearest the transcript's 3' end. VCF-style (leftmost placement, unchanged base first): chr4-186274258-TCCCAG-T. GRCh37 (hg19) VCF-style: chr4-187195412-TCCCAG-T.
Other names: c.471_475del, p.Ser158fs (NM_001354804.2, NM_001440590.1, NM_001440593.1 and 5 more transcripts); short protein forms S158fs.
Identifiers: ClinVar variation 5006760 (VCV005006760.2).
Genomic context (GRCh38, chr4:186,274,258, plus strand): 5'-CCAAGAAAGATGCACGGATGACGTCCACTGCCACTTTTTCACGTACGCCACAAGGCAGTT[TCCCAG>T]CCTGGAGCATCGGTGAGTGAGTCCCAGGACATTCGAGTGGTCGATGAAAAACAGAATCGT-3'

ClinVar aggregate classification (germline): Likely pathogenic (1 of 4 stars; one submission).

Conditions:
Hereditary factor XI deficiency disease. Also called: Congenital factor XI deficiency; PLASMA THROMBOPLASTIN ANTECEDENT DEFICIENCY; PTA DEFICIENCY; ROSENTHAL SYNDROME. Identifiers: Orphanet 329, MedGen C0015523, MeSH D005173, MONDO:0012897, OMIM 612416.

Submission:

Juno Genomics, Hangzhou Juno Genomics, Inc
Classification: Likely pathogenic for Hereditary factor XI deficiency disease. Review status: criteria provided, single submitter. Criteria: ACMG Guidelines, 2015. Collection method: clinical testing. Allele origin: germline.
Comment: Null variant in a gene where loss of function (LOF) is a known mechanism of disease.;Absent from controls (or at extremely low frequency if recessive) in Genome Aggregation Database.